The following is an entry in ClinVar:

NM_013275.6(ANKRD11):c.2717G>A (p.Arg906Gln)

Gene: ANKRD11 (ankyrin repeat domain containing 11; minus strand). Cytogenetic location: 16q24.3.
Variant type: single nucleotide variant.
Coding change: c.2717G>A on transcript NM_013275.6 (MANE Select); coding-DNA position 2717, G replaced by A.
Protein change: p.Arg906Gln; replaces arginine 906 with glutamine.
Molecular consequence: missense variant.
Genome position (GRCh38, 1-based): chr16:89,283,825, C>T on the plus strand (G>A on the coding strand, the complement: ANKRD11 is on the minus strand). VCF-style: chr16-89283825-C-T. GRCh37 (hg19) VCF-style: chr16-89350233-C-T.
Other names: c.2717G>A, p.Arg906Gln (NM_001256182.2, NM_001256183.2); short protein forms R906Q.
Identifiers: ClinVar variation 1795120 (VCV001795120.2), dbSNP rs763544660, ClinGen allele CA8242529.

ClinVar aggregate classification (germline): Uncertain significance (1 of 4 stars; one submission).

Conditions:
Inborn genetic diseases. Identifiers: MedGen C0950123, MeSH D030342.

gnomAD v4.1: 22 of 1,614,176 alleles (0.0014%); highest among the groups gnomAD compares: South Asian, 0.0022%; no homozygotes.

Submission:

Ambry Genetics
Classification: Uncertain significance for Inborn genetic diseases. Last evaluated: 2017-10-25. Review status: criteria provided, single submitter. Criteria: Ambry Variant Classification Scheme 2023. Collection method: clinical testing. Allele origin: germline.
Comment: The p.R906Q variant (also known as c.2717G>A), located in coding exon 7 of the ANKRD11 gene, results from a G to A substitution at nucleotide position 2717. The arginine at codon 906 is replaced by glutamine, an amino acid with highly similar properties. This amino acid position is not well conserved in available vertebrate species. In addition, this alteration is predicted to be tolerated by in silico analysis. Since supporting evidence is limited at this time, the clinical significance of this alteration remains unclear.